The following is an entry in ClinVar:

ClinVar aggregate classification (germline): Uncertain significance. Review status: criteria provided, single submitter (1 of 4 stars). 2 submissions from 2 submitters: Uncertain significance (1). 1 of the submissions does not count toward it. Last evaluated 2025-12-30.

Conditions:
DIAPH1-related disorder. Also called: DIAPH1-related condition.
Progressive microcephaly-seizures-cortical blindness-developmental delay syndrome. Also called: Seizures, cortical blindness, and microcephaly syndrome. Identifiers: Orphanet 477814, MedGen C5567650, MONDO:0014714, OMIM 616632.
Autosomal dominant nonsyndromic hearing loss 1. Also called: KONIGSMARK SYNDROME; DEAFNESS, AUTOSOMAL DOMINANT 1, WITH OR WITHOUT THROMBOCYTOPENIA. Identifiers: Orphanet 90635, MedGen C1852282, MONDO:0007424, OMIM 124900.

Allele frequency attached by ClinVar (database versions not stated): ExAC 0.00002; gnomAD 0.00002 and 0.00003; gnomAD exomes 0.00002; TOPMed 0.00003.
gnomAD v4.1: 25 of 1,614,238 alleles (0.0015%); highest among the groups gnomAD compares: East Asian, 0.016%; no homozygotes.

Submissions (2):

Labcorp Genetics (formerly Invitae), Labcorp
Classification: Uncertain significance for Progressive microcephaly-seizures-cortical blindness-developmental delay syndrome; Autosomal dominant nonsyndromic hearing loss 1. Last evaluated: 2025-12-30. Review status: criteria provided, single submitter. Criteria: Invitae Variant Classification Sherloc (09022015). Collection method: clinical testing. Allele origin: germline.
Comment: This sequence change replaces arginine, which is basic and polar, with histidine, which is basic and polar, at codon 968 of the DIAPH1 protein (p.Arg968His). This variant is present in population databases (rs373654027, gnomAD 0.01%). This variant has not been reported in the literature in individuals affected with DIAPH1-related conditions. ClinVar contains an entry for this variant (Variation ID: 1016238). An algorithm developed to predict the effect of missense changes on protein structure and function outputs the following: PolyPhen-2: "Benign". The histidine amino acid residue is found in multiple mammalian species, which suggests that this missense change does not adversely affect protein function. In summary, the available evidence is currently insufficient to determine the role of this variant in disease. Therefore, it has been classified as a Variant of Uncertain Significance.

PreventionGenetics, part of Exact Sciences
Classification: Uncertain significance for DIAPH1-related condition. Last evaluated: 2024-01-02. Review status: no assertion criteria provided. Collection method: clinical testing. Allele origin: germline. Not counted in ClinVar's aggregate classification.
Comment: The DIAPH1 c.2903G>A variant is predicted to result in the amino acid substitution p.Arg968His. To our knowledge, this variant has not been reported in the literature. This variant is reported in 0.011% of alleles in individuals of East Asian descent in gnomAD. At this time, the clinical significance of this variant is uncertain due to the absence of conclusive functional and genetic evidence.

NM_005219.5(DIAPH1):c.2903G>A (p.Arg968His)

Gene: DIAPH1 (diaphanous related formin 1; minus strand). Cytogenetic location: 5q31.3.
Variant type: single nucleotide variant.
Coding change: c.2903G>A on transcript NM_005219.5 (MANE Select); coding-DNA position 2903, G replaced by A.
Protein change: p.Arg968His; replaces arginine 968 with histidine.
Molecular consequence: missense variant.
Genome position (GRCh38, 1-based): chr5:141,528,817, C>T on the plus strand (G>A on the coding strand, the complement: DIAPH1 is on the minus strand). VCF-style: chr5-141528817-C-T. GRCh37 (hg19) VCF-style: chr5-140908384-C-T.
Other names: c.2876G>A, p.Arg959His (NM_001079812.3); c.2903G>A, p.Arg968His (NM_001314007.2); c.2903G>A (NM_005219.4); short protein forms R959H, R968H.
Identifiers: ClinVar variation 1016238 (VCV001016238.11), dbSNP rs373654027, ClinGen allele CA3478931.
Genomic context (GRCh38, chr5:141,528,817, plus strand): 5'-TTCATGTAATTTCCAACAAGCAAGGTAATCTCTAGGAGATTGGAAAAGCTCTCACTCTTA[C>T]GTAACTCCTCACATGCAGCAGTGACAGACACAATCTCTGGCTTGATATTCTCCACTTGCT-3'
Protein context (NP_005210.3, residues 958-978): VSVTAACEEL[Arg968His]KSESFSNLLE